The following is an entry in ClinVar:

NM_021224.6(ZNF462):c.4239G>A (p.Val1413=)

Gene: ZNF462 (zinc finger protein 462; plus strand). Cytogenetic location: 9q31.2.
Variant type: single nucleotide variant.
Coding change: c.4239G>A on transcript NM_021224.6 (MANE Select); coding-DNA position 4239, G replaced by A.
Protein change: p.Val1413=; no amino-acid change (valine 1413 retained).
Molecular consequence: synonymous variant. On other transcripts: intron variant (1).
Genome position (GRCh38, 1-based): chr9:106,928,151, G>A. VCF-style: chr9-106928151-G-A. GRCh37 (hg19) VCF-style: chr9-109690432-G-A.
Other names: c.3252+987G>A (NM_001347997.2).
Identifiers: ClinVar variation 2659380 (VCV002659380.24), dbSNP rs371764166, ClinGen allele CA5171792.
Genomic context (GRCh38, chr9:106,928,151, plus strand): 5'-CTGGGCCATGAATGGTGATGAGTCAGTGCTACTGGACATCATCAAGGAGAAAGATGCTGT[G>A]GAGAAGCCCATTCTTTCATCCGAAGAGTTGGCAGGCCCTGTGAATTGTGAAAACAGTATA-3'
Protein context (NP_067047.4, residues 1403-1423): LLDIIKEKDA[Val1413=]EKPILSSEEL

ClinVar aggregate classification (germline): Likely benign (1 of 4 stars; one submission).

Allele frequency attached by ClinVar (database versions not stated): gnomAD exomes 0.00007; gnomAD 0.00011; TOPMed 0.00011; ExAC 0.00012; ESP Exome Variant Server 0.00015.
gnomAD v4.1: 121 of 1,614,054 alleles (0.0075%); highest among the groups gnomAD compares: Admixed American, 0.022%; no homozygotes.

Submission:

CeGaT Center for Human Genetics Tuebingen
Classification: Likely benign. Last evaluated: 2026-07-01. Review status: criteria provided, single submitter. Criteria: CeGaT Center For Human Genetics Tuebingen Variant Classification Criteria Version 2. Collection method: clinical testing. Allele origin: germline. Affected: yes. Observed: 3 variant alleles.
Comment: ZNF462: BP4, BP7